The following is an entry in ClinVar:

NM_007254.4(PNKP):c.816+2T>C

Gene: PNKP (polynucleotide kinase 3'-phosphatase; minus strand). Cytogenetic location: 19q13.33.
Variant type: single nucleotide variant.
Coding change: c.816+2T>C on transcript NM_007254.4 (MANE Select); the canonical splice donor site of the intron after coding-DNA position 816, T replaced by C.
Molecular consequence: splice donor variant.
Genome position (GRCh38, 1-based): chr19:49,863,687, A>G on the plus strand (T>C on the coding strand, the complement: PNKP is on the minus strand). VCF-style: chr19-49863687-A-G. GRCh37 (hg19) VCF-style: chr19-50366944-A-G.
Identifiers: ClinVar variation 3725724 (VCV003725724.2).

ClinVar aggregate classification (germline): Likely pathogenic (1 of 4 stars; one submission).

Conditions:
Developmental and epileptic encephalopathy, 12 (DEE12). Identifiers: MedGen C3150988, MONDO:0013389, OMIM 613722.

Submission:

Labcorp Genetics (formerly Invitae), Labcorp
Classification: Likely pathogenic for Developmental and epileptic encephalopathy, 12. Last evaluated: 2024-11-21. Review status: criteria provided, single submitter. Criteria: Invitae Variant Classification Sherloc (09022015). Collection method: clinical testing. Allele origin: germline.
Comment: This sequence change affects a donor splice site in intron 8 of the PNKP gene. It is expected to disrupt RNA splicing. Variants that disrupt the donor or acceptor splice site typically lead to a loss of protein function (PMID: 16199547), and loss-of-function variants in PNKP are known to be pathogenic (PMID: 20118933, 25728773). This variant is not present in population databases (gnomAD no frequency). This variant has not been reported in the literature in individuals affected with PNKP-related conditions. In summary, the currently available evidence indicates that the variant is pathogenic, but additional data are needed to prove that conclusively. Therefore, this variant has been classified as Likely Pathogenic.

Literature cited by the submitters: PubMed 16199547; PubMed 20118933; PubMed 25728773.